The following is an entry in ClinVar:

NC_000017.10:g.(?_63529041)_(63531806_?)del

Gene: AXIN2 (axin 2; minus strand). Cytogenetic location: 17q24.1.
Variant type: Deletion.
Identifiers: ClinVar variation 1469534 (VCV001469534.4).

ClinVar aggregate classification (germline): Uncertain significance (1 of 4 stars; one submission).

Conditions:
Oligodontia-cancer predisposition syndrome. Also called: TOOTH AGENESIS-COLORECTAL CANCER SYNDROME. Identifiers: Orphanet 300576, MedGen C1837750, MONDO:0012075, OMIM 608615. Disease mechanism: loss of function.

Submission:

Labcorp Genetics (formerly Invitae), Labcorp
Classification: Uncertain significance for Oligodontia-cancer predisposition syndrome. Last evaluated: 2021-09-26. Review status: criteria provided, single submitter. Criteria: Invitae Variant Classification Sherloc (09022015). Collection method: clinical testing. Allele origin: germline.
Comment: In summary, the available evidence is currently insufficient to determine the role of this variant in disease. Therefore, it has been classified as a Variant of Uncertain Significance. Variants that disrupt the consensus splice site are a relatively common cause of aberrant splicing (PMID: 17576681, 9536098). This variant has not been reported in the literature in individuals affected with AXIN2-related conditions. This variant results in the deletion of exon 10 and part of exon 9 (c.2175_2405+989delins161) of the AXIN2 gene. While this variant is not anticipated to result in nonsense mediated decay, it likely alters RNA splicing and results in a disrupted protein product.

Literature cited by the submitters: PubMed 17576681; PubMed 9536098.